The following is an entry in ClinVar:

ClinVar aggregate classification (germline): Uncertain significance (1 of 4 stars; one submission).

Allele frequency attached by ClinVar (database versions not stated): gnomAD 0.00001 and 0.00003.
gnomAD v4.1: 2 of 1,613,354 alleles (0.00012%); highest among the groups gnomAD compares: African/African-American, 0.0027%; no homozygotes.

Submission:

GeneDx
Classification: Uncertain significance. Last evaluated: 2014-03-19. Review status: criteria provided, single submitter. Criteria: GeneDx Variant Classification (06012015). Collection method: clinical testing. Allele origin: germline. Affected: yes.
Comment: Missense variants in the TTN gene are considered 'unclassified' if they are not previously reported in the literature and do not have >1% frequency in the population to be considered a polymorphism. Research indicates that truncating mutations in the TTN gene are expected to account for approximately 25% of familial and 18% of sporadic idiopathic DCM; however, truncating variants in the TTN gene have been reported in approximately 3% of reported control alleles. There has been little investigation into non-truncating variants. (Herman D et al. Truncations of titin causing dilated cardiomyopathy. N Eng J Med 366:619-628, 2012) The variant is found in CARDIOMYOPATHY panel(s).

NM_001267550.2(TTN):c.78142A>C (p.Thr26048Pro)

Genes: TTN (titin; minus strand), TTN-AS1 (TTN antisense RNA 1; plus strand). Cytogenetic location: 2q31.2.
Variant type: single nucleotide variant.
Coding change: c.78142A>C on transcript NM_001267550.2 (MANE Select); coding-DNA position 78142, A replaced by C.
Protein change: p.Thr26048Pro; replaces threonine 26048 with proline.
Molecular consequence: missense variant.
Genome position (GRCh38, 1-based): chr2:178,567,990, T>G on the plus strand (A>C on the coding strand, the complement: TTN is on the minus strand). VCF-style: chr2-178567990-T-G. GRCh37 (hg19) VCF-style: chr2-179432717-T-G.
Other names: p.T24407P:ACC>CCC; c.73219A>C, p.Thr24407Pro (NM_001256850.1); c.50947A>C, p.Thr16983Pro (NM_003319.4); c.70438A>C, p.Thr23480Pro (NM_133378.4); c.51322A>C, p.Thr17108Pro (NM_133432.3); c.51523A>C, p.Thr17175Pro (NM_133437.4); short protein forms T24407P, T26048P, T17108P, T23480P, T17175P, T16983P.
Identifiers: ClinVar variation 202886 (VCV000202886.2), dbSNP rs794729508, ClinGen allele CA310590.